The following is an entry in ClinVar:

ClinVar aggregate classification (germline): Uncertain significance (1 of 4 stars; one submission).

Allele frequency attached by ClinVar (database versions not stated): gnomAD exomes 0.00001; ExAC 0.00003.

Submission:

Ambry Genetics
Classification: Uncertain significance. Last evaluated: 2025-03-23. Review status: criteria provided, single submitter. Criteria: Ambry Variant Classification Scheme 2023. Collection method: clinical testing. Allele origin: germline.
Comment: The p.I1165V variant (also known as c.3493A>G), located in coding exon 28 of the A2ML1 gene, results from an A to G substitution at nucleotide position 3493. The isoleucine at codon 1165 is replaced by valine, an amino acid with highly similar properties. This amino acid position is conserved. In addition, this alteration is predicted to be tolerated by in silico analysis. Since supporting evidence is limited at this time, the clinical significance of this alteration remains unclear.

NM_144670.6(A2ML1):c.3493A>G (p.Ile1165Val)

Gene: A2ML1 (alpha-2-macroglobulin like 1; plus strand). Cytogenetic location: 12p13.31.
Variant type: single nucleotide variant.
Coding change: c.3493A>G on transcript NM_144670.6 (MANE Select); coding-DNA position 3493, A replaced by G.
Protein change: p.Ile1165Val; replaces isoleucine 1165 with valine.
Molecular consequence: missense variant.
Genome position (GRCh38, 1-based): chr12:8,861,288, A>G. VCF-style: chr12-8861288-A-G. GRCh37 (hg19) VCF-style: chr12-9013884-A-G.
Other names: c.2020A>G, p.Ile674Val (NM_001282424.3); short protein forms I1165V, I674V.
Identifiers: ClinVar variation 2449336 (VCV002449336.3), dbSNP rs773421182, ClinGen allele CA6436390.
Genomic context (GRCh38, chr12:8,861,288, plus strand): 5'-TCCCTGGCTGGGGAAATGGACATCAGAAACATTCTCCTTAAACAGTTAGATCAACAGGCT[A>G]TCATCTCAGGTATGTTGGTCCTGTTGAGAGTTCTTTGAAATTGTGAACATAAGCTGTGAG-3'
Protein context (NP_653271.3, residues 1155-1175): ILLKQLDQQA[Ile1165Val]ISGESIYWSQ